The following is an entry in ClinVar:

NM_007198.4(PLPBP):c.19A>C (p.Met7Leu)

Genes: PLPBP (pyridoxal phosphate binding protein; plus strand), LOC113788277 (Sharpr-MPRA regulatory region 13802; plus strand). Cytogenetic location: 8p11.23.
Variant type: single nucleotide variant.
Coding change: c.19A>C on transcript NM_007198.4 (MANE Select); coding-DNA position 19, A replaced by C.
Protein change: p.Met7Leu; replaces methionine 7 with leucine.
Molecular consequence: missense variant. On other transcripts: 5 prime UTR variant (1).
Genome position (GRCh38, 1-based): chr8:37,762,678, A>C. VCF-style: chr8-37762678-A-C. GRCh37 (hg19) VCF-style: chr8-37620196-A-C.
Other names: c.19A>C, p.Met7Leu (NM_001349346.2, NM_001349347.2); c.-80A>C (NM_001349348.2); c.124A>C, p.Met42Leu (NM_001349349.1); short protein forms M42L, M7L.
Identifiers: ClinVar variation 1878666 (VCV001878666.2), dbSNP rs764612461, ClinGen allele CA370665623.

ClinVar aggregate classification (germline): Uncertain significance. Review status: criteria provided, multiple submitters, no conflicts (2 of 4 stars). 2 submissions from 2 submitters: Uncertain significance (2). Last evaluated 2024-05-02.

Conditions:
Epilepsy, early-onset, vitamin B6-dependent. Also called: PLPBP Deficiency; EPILEPSY, EARLY-ONSET, 1, VITAMIN B6-DEPENDENT. Identifiers: MedGen C4310632, MONDO:0015005, OMIM 617290.

Allele frequency attached by ClinVar (database versions not stated): gnomAD 0.00001.
gnomAD v4.1: 9 of 1,587,478 alleles (0.00057%); highest among the groups gnomAD compares: Non-Finnish European, 0.00068%; no homozygotes.

Submissions (2):

Revvity Omics, Revvity
Classification: Uncertain significance for Epilepsy, early-onset, vitamin B6-dependent. Last evaluated: 2024-05-02. Review status: criteria provided, single submitter. Criteria: ACMG Guidelines, 2015. Collection method: clinical testing. Allele origin: germline.

Neuberg Centre For Genomic Medicine, NCGM
Classification: Uncertain significance for Epilepsy, early-onset, vitamin B6-dependent. Review status: criteria provided, single submitter. Criteria: ACMG Guidelines, 2015. Collection method: clinical testing. Allele origin: germline. Affected: yes.
Comment: The missense variant p.M7L in PLPBP (NM_007198.4) has not been reported previously as a pathogenic variant nor as a benign variant, to our knowledge. The p.M7L variant is novel (not in any individuals) in gnomAD Exomes. The p.M7L missense variant is predicted to be damaging by both SIFT and PolyPhen2. The methionine residue at codon 7 of PLPBP is conserved in all mammalian species. The nucleotide c.19 in PLPBP is predicted conserved by GERP++ and PhyloP across 100 vertebrates. For these reasons, this variant has been classified as Uncertain Significance.